The following is an entry in ClinVar:

NM_000548.5(TSC2):c.4989+18_4989+19insTGGTGAGTGAGGGGCCGTCA

Gene: TSC2 (TSC complex subunit 2; plus strand). Cytogenetic location: 16p13.3.
Variant type: Insertion.
Coding change: c.4989+18_4989+19insTGGTGAGTGAGGGGCCGTCA on transcript NM_000548.5 (MANE Select); bases 18 to 19 of the intron after coding-DNA position 4989, TGGTGAGTGAGGGGCCGTCA inserted.
Molecular consequence: splice donor variant.
Genome position: GRCh38 VCF-style: chr16-2086870-A-AGGTGAGTGAGGGGCCGTCAT. GRCh37 (hg19) VCF-style: chr16-2136871-A-AGGTGAGTGAGGGGCCGTCAT.
Other names: c.4920+18_4920+19insTGGTGAGTGAGGGGCCGTCA (NM_001114382.3); c.4860+18_4860+19insTGGTGAGTGAGGGGCCGTCA (NM_021055.3, NM_001370405.1); c.4791+18_4791+19insTGGTGAGTGAGGGGCCGTCA (NM_001363528.2); c.4857+18_4857+19insTGGTGAGTGAGGGGCCGTCA (NM_001370404.1); c.4788+18_4788+19insTGGTGAGTGAGGGGCCGTCA (NM_001077183.3); c.4680+18_4680+19insTGGTGAGTGAGGGGCCGTCA (NM_001318827.2); c.4257+18_4257+19insTGGTGAGTGAGGGGCCGTCA (NM_001318831.2); c.4644+18_4644+19insTGGTGAGTGAGGGGCCGTCA (NM_001318829.2); and 1 more.
Identifiers: ClinVar variation 2418849 (VCV002418849.8), dbSNP rs1168388514, ClinGen allele CA620706062.
Genomic context (GRCh38, chr16:2,086,870, plus strand): 5'-ACGACTTTGTGTCCATTGTCTACAATGACTCCGGTGAGGACTTCAAGCTTGGCACCATCA[A>AGGTGAGTGAGGGGCCGTCAT]GGTGAGTGAGGGGCCGTCAGTGAGGCTGGGCCCCAGGCAGGTGCCCACTGCTGTGTCCCG-3'

ClinVar aggregate classification (germline): Conflicting classifications of pathogenicity. Review status: criteria provided, conflicting classifications (1 of 4 stars). 3 submissions from 3 submitters: Uncertain significance (2); Likely benign (1). Last evaluated 2026-01-05.

Conditions:
Tuberous sclerosis syndrome (TSC). Also called: Tuberous Sclerosis Complex; Tuberous sclerosis. Identifiers: Orphanet 805, MedGen C0041341, MONDO:0001734.
Tuberous sclerosis 2 (TSC2). Identifiers: Orphanet 805, MedGen C1860707, MONDO:0013199, OMIM 613254.

Submissions (3):

Labcorp Genetics (formerly Invitae), Labcorp
Classification: Likely benign for Tuberous sclerosis 2. Last evaluated: 2026-01-05. Review status: criteria provided, single submitter. Criteria: Invitae Variant Classification Sherloc (09022015). Collection method: clinical testing. Allele origin: germline.

GeneDx
Classification: Uncertain significance. Last evaluated: 2025-08-28. Review status: criteria provided, single submitter. Criteria: GeneDx Variant Classification Process June 2021. Collection method: clinical testing. Allele origin: germline. Affected: yes.
Comment: In silico analysis supports a deleterious effect on splicing; Has not been previously published as pathogenic or benign to our knowledge

All of Us Research Program, National Institutes of Health
Classification: Uncertain significance for Tuberous sclerosis syndrome. Last evaluated: 2024-03-24. Review status: criteria provided, single submitter. Criteria: ACMG Guidelines, 2015. Collection method: clinical testing. Allele origin: germline. Inheritance: Autosomal dominant inheritance. Observed: 1 variant allele, 1 heterozygote.
Comment: This variant inserts 20 nucleotides in exon 38 of the TSC2 gene. Splice site prediction tools suggest that this variant may have a significant impact on RNA splicing. To our knowledge, RNA studies have not been reported for this variant. To our knowledge, this variant has not been reported in individuals affected with TSC2-related disorders in the literature. This variant has been identified in 2/200764 chromosomes in the general population by the Genome Aggregation Database (gnomAD). Loss of TSC2 function is a known mechanism of disease. The available evidence is insufficient to determine the role of this variant in disease conclusively. Therefore, this variant is classified as a Variant of Uncertain Significance.

This study involves interpretation of variants in research participants for the purpose of population health screening. Participant phenotype was not available at the time of variant classification. Additional details can be found in publication PMID: 35346344, PMCID: PMC8962531